The following is an entry in ClinVar:

ClinVar aggregate classification (germline): Benign. Review status: criteria provided, multiple submitters, no conflicts (2 of 4 stars). 4 submissions from 4 submitters: Benign (3). 1 of the submissions does not count toward it. Last evaluated 2025-02-25.

Conditions:
X-linked chondrodysplasia punctata 1 (CDPX1). Also called: CHONDRODYSPLASIA PUNCTATA, BRACHYTELEPHALANGIC; Chondrodysplasia punctata, X-linked recessive. Identifiers: Orphanet 79345, MedGen C3669395, MONDO:0010555, OMIM 302950.
ARSL-related disorder. Also called: ARSL-related condition.

Allele frequency attached by ClinVar (database versions not stated): TOPMed 0.02423; gnomAD exomes 0.00240 and 0.00558; ExAC 0.00296; 1000 Genomes Project 0.01987; 1000 Genomes Project 30x 0.02019; gnomAD 0.02219 and 0.02344.

Submissions (4):

ARUP Laboratories, Molecular Genetics and Genomics, ARUP Laboratories
Classification: Benign for X-linked chondrodysplasia punctata 1. Last evaluated: 2025-02-25. Review status: criteria provided, single submitter. Criteria: ARUP Molecular Germline Variant Investigation Process 2024. Collection method: clinical testing. Allele origin: germline.

GeneDx
Classification: Benign. Last evaluated: 2018-06-30. Review status: criteria provided, single submitter. Criteria: GeneDx Variant Classification Process June 2021. Collection method: clinical testing. Allele origin: germline. Affected: yes.

Breakthrough Genomics
Classification: Benign. Review status: criteria provided, single submitter. Criteria: ACMG Guidelines, 2015. Collection method: not provided. Allele origin: germline. Inheritance: X-linked inheritance. Affected: yes.

PreventionGenetics, part of Exact Sciences
Classification: Benign for ARSL-related condition. Last evaluated: 2019-10-31. Review status: no assertion criteria provided. Collection method: clinical testing. Allele origin: germline. Not counted in ClinVar's aggregate classification.
Comment: This variant is classified as benign based on ACMG/AMP sequence variant interpretation guidelines (Richards et al. 2015 PMID: 25741868, with internal and published modifications).

NM_000047.3(ARSL):c.23+687G>A

Gene: ARSL (arylsulfatase L; minus strand). Cytogenetic location: Xp22.33.
Variant type: single nucleotide variant.
Coding change: c.23+687G>A on transcript NM_000047.3 (MANE Select); 687 bases into the intron after coding-DNA position 23, G replaced by A.
Molecular consequence: intron variant. On other transcripts: missense variant (2).
Genome position (GRCh38, 1-based): chrX:2,959,691, C>T on the plus strand (G>A on the coding strand, the complement: ARSL is on the minus strand). VCF-style: chrX-2959691-C-T. GRCh37 (hg19) VCF-style: chrX-2877732-C-T.
Other names: c.10G>A (NM_001282628.1); c.10G>A, p.Val4Met (NM_001282628.2, NM_001369080.1); c.23+687G>A (NM_001282631.2); c.50+687G>A (NM_001369079.1); short protein forms V4M.
Identifiers: ClinVar variation 993979 (VCV000993979.14), dbSNP rs61733257, ClinGen allele CA10338276.